The following is an entry in ClinVar:

ClinVar aggregate classification (germline): Likely benign (1 of 4 stars; one submission).

Allele frequency attached by ClinVar (database versions not stated): gnomAD exomes 0.00005; ExAC 0.00006; TOPMed 0.00007; gnomAD 0.00009; ESP Exome Variant Server 0.00023.
gnomAD v4.1: 91 of 1,613,888 alleles (0.0056%); highest among the groups gnomAD compares: African/African-American, 0.0094%; no homozygotes.

Submission:

CeGaT Center for Human Genetics Tuebingen
Classification: Likely benign. Last evaluated: 2022-08-01. Review status: criteria provided, single submitter. Criteria: CeGaT Center For Human Genetics Tuebingen Variant Classification Criteria Version 2. Collection method: clinical testing. Allele origin: germline. Affected: yes. Observed: 1 variant allele.
Comment: CHD3: BP4, BP7

NM_001005273.3(CHD3):c.5631G>A (p.Ala1877=)

Gene: CHD3 (chromodomain helicase DNA binding protein 3; plus strand). Cytogenetic location: 17p13.1.
Variant type: single nucleotide variant.
Coding change: c.5631G>A on transcript NM_001005273.3 (MANE Select); coding-DNA position 5631, G replaced by A.
Protein change: p.Ala1877=; no amino-acid change (alanine 1877 retained).
Molecular consequence: synonymous variant.
Genome position (GRCh38, 1-based): chr17:7,910,468, G>A. VCF-style: chr17-7910468-G-A. GRCh37 (hg19) VCF-style: chr17-7813786-G-A.
Other names: c.5808G>A, p.Ala1936= (NM_001005271.3); c.5529G>A, p.Ala1843= (NM_005852.4).
Identifiers: ClinVar variation 2647437 (VCV002647437.24), dbSNP rs369541480, ClinGen allele CA8363711.